The following is an entry in ClinVar:

NM_152384.3(BBS5):c.792A>T (p.Gly264=)

Gene: BBS5 (Bardet-Biedl syndrome 5; plus strand). Cytogenetic location: 2q31.1.
Variant type: single nucleotide variant.
Coding change: c.792A>T on transcript NM_152384.3 (MANE Select); coding-DNA position 792, A replaced by T.
Protein change: p.Gly264=; no amino-acid change (glycine 264 retained).
Molecular consequence: synonymous variant.
Genome position (GRCh38, 1-based): chr2:169,499,596, A>T. VCF-style: chr2-169499596-A-T. GRCh37 (hg19) VCF-style: chr2-170356106-A-T.
Other names: c.792A>T (NM_152384.2).
Identifiers: ClinVar variation 1120602 (VCV001120602.11), dbSNP rs773030426, ClinGen allele CA1956317.

ClinVar aggregate classification (germline): Likely benign. Review status: criteria provided, multiple submitters, no conflicts (2 of 4 stars). 3 submissions from 3 submitters: Likely benign (2). 1 of the submissions does not count toward it. Last evaluated 2025-12-03.

Conditions:
BBS5-related disorder. Also called: BBS5-related condition.
Bardet-Biedl syndrome (BBS). Identifiers: Orphanet 110, MedGen C0752166, MONDO:0015229.

Allele frequency attached by ClinVar (database versions not stated): TOPMed 0.00001; ExAC 0.00002; gnomAD 0.00002; gnomAD exomes 0.00002.

Submissions (3):

Labcorp Genetics (formerly Invitae), Labcorp
Classification: Likely benign for Bardet-Biedl syndrome. Last evaluated: 2025-12-03. Review status: criteria provided, single submitter. Criteria: Invitae Variant Classification Sherloc (09022015). Collection method: clinical testing. Allele origin: germline.

Blueprint Genetics
Classification: Likely benign. Last evaluated: 2024-11-05. Review status: criteria provided, single submitter. Criteria: ACMG Guidelines, 2015. Collection method: clinical testing. Allele origin: germline.

PreventionGenetics, part of Exact Sciences
Classification: Likely benign for BBS5-related condition. Last evaluated: 2023-08-24. Review status: no assertion criteria provided. Collection method: clinical testing. Allele origin: germline. Not counted in ClinVar's aggregate classification.
Comment: This variant is classified as likely benign based on ACMG/AMP sequence variant interpretation guidelines (Richards et al. 2015 PMID: 25741868, with internal and published modifications).